The following is an entry in ClinVar:

ClinVar aggregate classification (germline): Likely benign (1 of 4 stars; one submission).

Allele frequency attached by ClinVar (database versions not stated): 1000 Genomes Project 30x 0.00016; 1000 Genomes Project 0.00020; ExAC 0.00078; ESP Exome Variant Server 0.00092; gnomAD 0.00096.
gnomAD v4.1: 2,899 of 1,614,072 alleles (0.18%); highest among the groups gnomAD compares: Non-Finnish European, 0.23%; 4 homozygotes.

Submission:

CeGaT Center for Human Genetics Tuebingen
Classification: Likely benign. Last evaluated: 2024-01-01. Review status: criteria provided, single submitter. Criteria: CeGaT Center For Human Genetics Tuebingen Variant Classification Criteria Version 2. Collection method: clinical testing. Allele origin: germline. Affected: yes. Observed: 1 variant allele.
Comment: ZNF750: BP4, BP7

NM_024702.3(ZNF750):c.1245G>A (p.Pro415=)

Genes: TBCD (tubulin folding cofactor D), ZNF750 (zinc finger protein 750; minus strand). Cytogenetic location: 17q25.3.
Variant type: single nucleotide variant.
Coding change: c.1245G>A on transcript NM_024702.3 (MANE Select); coding-DNA position 1245, G replaced by A.
Protein change: p.Pro415=; no amino-acid change (proline 415 retained).
Molecular consequence: synonymous variant. On other transcripts: intron variant (3).
Genome position (GRCh38, 1-based): chr17:82,831,210, C>T on the plus strand (G>A on the coding strand, the complement: ZNF750 is on the minus strand). VCF-style: chr17-82831210-C-T. GRCh37 (hg19) VCF-style: chr17-80789086-C-T.
Other names: c.1318+16276C>T (NM_005993.5, NM_001411102.1); c.1267+16276C>T (NM_001411101.1).
Identifiers: ClinVar variation 3024939 (VCV003024939.22), dbSNP rs148917942, ClinGen allele CA8862262.